The following is an entry in ClinVar:

ClinVar aggregate classification (germline): Uncertain significance (1 of 4 stars; one submission).

Conditions:
Developmental and epileptic encephalopathy, 21 (DEE21). Also called: Early infantile epileptic encephalopathy 21. Identifiers: Orphanet 442835, MedGen C4014430, MONDO:0014360, OMIM 615833.

gnomAD v4.1: 3 of 1,613,474 alleles (0.00019%); highest among the groups gnomAD compares: South Asian, 0.0011%; no homozygotes.

Submission:

Labcorp Genetics (formerly Invitae), Labcorp
Classification: Uncertain significance for Developmental and epileptic encephalopathy, 21. Last evaluated: 2023-09-13. Review status: criteria provided, single submitter. Criteria: Invitae Variant Classification Sherloc (09022015). Collection method: clinical testing. Allele origin: germline.
Comment: This sequence change replaces lysine, which is basic and polar, with threonine, which is neutral and polar, at codon 160 of the NECAP1 protein (p.Lys160Thr). This variant is not present in population databases (gnomAD no frequency). This variant has not been reported in the literature in individuals affected with NECAP1-related conditions. ClinVar contains an entry for this variant (Variation ID: 1975104). Algorithms developed to predict the effect of missense changes on protein structure and function output the following: SIFT: "Not Available"; PolyPhen-2: "Benign"; Align-GVGD: "Not Available". The threonine amino acid residue is found in multiple mammalian species, which suggests that this missense change does not adversely affect protein function. In summary, the available evidence is currently insufficient to determine the role of this variant in disease. Therefore, it has been classified as a Variant of Uncertain Significance.

NM_015509.4(NECAP1):c.479A>C (p.Lys160Thr)

Gene: NECAP1 (NECAP endocytosis associated 1; plus strand). Cytogenetic location: 12p13.31.
Variant type: single nucleotide variant.
Coding change: c.479A>C on transcript NM_015509.4 (MANE Select); coding-DNA position 479, A replaced by C.
Protein change: p.Lys160Thr; replaces lysine 160 with threonine.
Molecular consequence: missense variant. On other transcripts: non-coding transcript variant (1).
Genome position (GRCh38, 1-based): chr12:8,092,771, A>C. VCF-style: chr12-8092771-A-C. GRCh37 (hg19) VCF-style: chr12-8245367-A-C.
Other names: short protein forms K160T.
Identifiers: ClinVar variation 1975104 (VCV001975104.5), dbSNP rs1026484267, ClinGen allele CA232563722.
Genomic context (GRCh38, chr12:8,092,771, plus strand): 5'-CTCAAGAAATGGATGCTCGTCCTAAGTTGGATCTGGGCTTCAAGGAAGGACAAACCATCA[A>C]GTTGTGTATCGGGGTGAGTATGGTTTTTAAAAATTTTGTTTTCCTGTGCTTCCATAAGCC-3'
Protein context (NP_056324.2, residues 150-170): DLGFKEGQTI[Lys160Thr]LCIGNITNKK